The following is an entry in ClinVar:

NM_005359.6(SMAD4):c.1045dup (p.Thr349fs)

Gene: SMAD4 (SMAD family member 4; plus strand). Cytogenetic location: 18q21.2.
Variant type: Duplication.
Coding change: c.1045dup on transcript NM_005359.6 (MANE Select); coding-DNA position 1045, one base duplicated (A; older notation c.1045dupA).
Protein change: p.Thr349fs; shifts the reading frame from threonine 349.
Molecular consequence: frameshift variant.
Genome position (GRCh38, 1-based): chr18:51,065,512, A duplicated. VCF-style (leftmost placement, unchanged base first): chr18-51065511-T-TA. GRCh37 (hg19) VCF-style: chr18-48591881-T-TA.
Other names: c.1045dupA (NM_005359.5); short protein forms T349fs.
Identifiers: ClinVar variation 801279 (VCV000801279.4), dbSNP rs1599195433, ClinGen allele CA915951536.

ClinVar aggregate classification (germline): Pathogenic. Review status: criteria provided, multiple submitters, no conflicts (2 of 4 stars). 2 submissions from 2 submitters: Pathogenic (2). Last evaluated 2019-07-16.

Conditions:
Hereditary cancer-predisposing syndrome. Also called: Tumor predisposition; Neoplastic Syndromes, Hereditary; Hereditary Cancer Syndrome; Hereditary neoplastic syndrome. Identifiers: Orphanet 140162, MedGen C0027672, MeSH D009386, MONDO:0015356.
Familial thoracic aortic aneurysm and aortic dissection (TAAD). Also called: Thoracic aortic aneurysms and dissections. Identifiers: Orphanet 91387, MedGen C4707243, MONDO:0019625.

Submissions (2):

Ambry Genetics
Classification: Pathogenic for Hereditary cancer-predisposing syndrome; Familial thoracic aortic aneurysm and aortic dissection. Last evaluated: 2019-07-16. Review status: criteria provided, single submitter. Criteria: Ambry Variant Classification Scheme 2023. Collection method: clinical testing. Allele origin: germline.
Comment: The c.1045dupA pathogenic mutation, located in coding exon 8 of the SMAD4 gene, results from a duplication of A at nucleotide position 1045, causing a translational frameshift with a predicted alternate stop codon (p.T349Nfs*3). This alteration is expected to result in loss of function by premature protein truncation or nonsense-mediated mRNA decay. As such, this alteration is interpreted as a disease-causing mutation.

Quest Diagnostics Nichols Institute San Juan Capistrano
Classification: Pathogenic. Last evaluated: 2019-06-04. Review status: criteria provided, single submitter. Criteria: Quest Diagnostics criteria. Collection method: clinical testing. Allele origin: germline.
Comment: The variant results in a shift of the reading frame, and is therefore predicted to result in the loss of a functional protein. Found in at least one symptomatic patient, and not found in general population data.